The following is an entry in ClinVar:

NM_000719.7(CACNA1C):c.3718-81T>C

Gene: CACNA1C (calcium voltage-gated channel subunit alpha1 C; plus strand). Cytogenetic location: 12p13.33.
Variant type: single nucleotide variant.
Coding change: c.3718-81T>C on transcript NM_000719.7 (MANE Select); 81 bases into the intron before coding-DNA position 3718, T replaced by C.
Molecular consequence: intron variant.
Genome position (GRCh38, 1-based): chr12:2,611,822, T>C. VCF-style: chr12-2611822-T-C. GRCh37 (hg19) VCF-style: chr12-2720988-T-C.
Other names: c.3718-81T>C (NM_001167624.3, NM_001167623.2, NM_001167625.2 and 15 more transcripts); c.3778-81T>C (NM_199460.4, NM_001129827.2, NM_001129832.2); c.3709-81T>C (NM_001129844.2).
Identifiers: ClinVar variation 671805 (VCV000671805.9), dbSNP rs216007, ClinGen allele CA13771663.

ClinVar aggregate classification (germline): Benign. Review status: criteria provided, multiple submitters, no conflicts (2 of 4 stars). 4 submissions from 4 submitters: Benign (4). Last evaluated 2021-07-14.

Conditions:
Timothy syndrome (TS). Also called: LONG QT SYNDROME WITH SYNDACTYLY. Identifiers: Orphanet 65283, MedGen C1832916, MeSH C536962, MONDO:0010979, OMIM 601005.
Long QT syndrome (LQTS). Identifiers: MedGen C0023976, MeSH D008133, MONDO:0002442. Disease mechanism: loss of function. Inheritance: Various modes of inheritance.

Allele frequency attached by ClinVar (database versions not stated): gnomAD exomes 0.19363; gnomAD 0.20791 and 0.21183; TOPMed 0.21348; 1000 Genomes Project 30x 0.25999; 1000 Genomes Project 0.26178.
gnomAD v4.1: 169,927 of 861,994 alleles (20%); highest among the groups gnomAD compares: East Asian, 38%; 18,103 homozygotes.

Submissions (4):

Genome-Nilou Lab
Classification: Benign for Timothy syndrome. Last evaluated: 2021-07-14. Review status: criteria provided, single submitter. Criteria: ACMG Guidelines, 2015. Collection method: clinical testing. Allele origin: germline. Affected: no.

Labcorp Genetics (formerly Invitae), Labcorp
Classification: Benign for Long QT syndrome. Last evaluated: 2019-12-31. Review status: criteria provided, single submitter. Criteria: Invitae Variant Classification Sherloc (09022015). Collection method: clinical testing. Allele origin: germline.

GeneDx
Classification: Benign. Last evaluated: 2018-06-14. Review status: criteria provided, single submitter. Criteria: GeneDx Variant Classification (06012015). Collection method: clinical testing. Allele origin: germline. Affected: yes.
Comment: This variant is considered likely benign or benign based on one or more of the following criteria: it is a conservative change, it occurs at a poorly conserved position in the protein, it is predicted to be benign by multiple in silico algorithms, and/or has population frequency not consistent with disease.

Breakthrough Genomics
Classification: Benign. Review status: criteria provided, single submitter. Criteria: ACMG Guidelines, 2015. Collection method: not provided. Allele origin: germline. Inheritance: Autosomal dominant inheritance. Affected: yes.